The following is an entry in ClinVar:

NM_007118.4(TRIO):c.5938A>G (p.Thr1980Ala)

Gene: TRIO (trio Rho guanine nucleotide exchange factor; plus strand). Cytogenetic location: 5p15.2.
Variant type: single nucleotide variant.
Coding change: c.5938A>G on transcript NM_007118.4 (MANE Select); coding-DNA position 5938, A replaced by G.
Protein change: p.Thr1980Ala; replaces threonine 1980 with alanine.
Molecular consequence: missense variant. On other transcripts: non-coding transcript variant (1).
Genome position (GRCh38, 1-based): chr5:14,472,617, A>G. VCF-style: chr5-14472617-A-G. GRCh37 (hg19) VCF-style: chr5-14472726-A-G.
Other names: short protein forms T1980A.
Identifiers: ClinVar variation 3572666 (VCV003572666.1).
Genomic context (GRCh38, chr5:14,472,617, plus strand): 5'-CAGTTTGCATGATAAACAATATTTTTTCTCTCCAGCTACGTTTTGCAAGAACTAGTGGAG[A>G]CAGAGCGTGACTATGTGCGGGACCTTGGCTATGTGGTTGAGGTGTGTATTGCCAGAAATT-3'
Protein context (NP_009049.2, residues 1970-1990): RHYVLQELVE[Thr1980Ala]ERDYVRDLGY

ClinVar aggregate classification (germline): Uncertain significance (1 of 4 stars; one submission).

Submission:

GeneDx
Classification: Uncertain significance. Last evaluated: 2024-07-07. Review status: criteria provided, single submitter. Criteria: GeneDx Variant Classification Process June 2021. Collection method: clinical testing. Allele origin: germline. Affected: yes.
Comment: Not observed at significant frequency in large population cohorts (gnomAD); In silico analysis supports that this missense variant has a deleterious effect on protein structure/function; Has not been previously published as pathogenic or benign to our knowledge